The following is an entry in ClinVar:

NM_015836.4(WARS2):c.404G>A (p.Arg135Gln)

Gene: WARS2 (tryptophanyl tRNA synthetase 2, mitochondrial; minus strand). Cytogenetic location: 1p12.
Variant type: single nucleotide variant.
Coding change: c.404G>A on transcript NM_015836.4 (MANE Select); coding-DNA position 404, G replaced by A.
Protein change: p.Arg135Gln; replaces arginine 135 with glutamine.
Molecular consequence: missense variant.
Genome position (GRCh38, 1-based): chr1:119,045,607, C>T on the plus strand (G>A on the coding strand, the complement: WARS2 is on the minus strand). VCF-style: chr1-119045607-C-T. GRCh37 (hg19) VCF-style: chr1-119588230-C-T.
Other names: c.335G>A, p.Arg112Gln (NM_001378226.1, NM_001378227.1); c.233G>A, p.Arg78Gln (NM_001378228.1); c.146G>A, p.Arg49Gln (NM_001378229.1); c.122G>A, p.Arg41Gln (NM_001378230.1); c.404G>A, p.Arg135Gln (NM_001378231.1, NM_201263.2); short protein forms R41Q, R78Q, R112Q, R135Q, R49Q.
Identifiers: ClinVar variation 1029413 (VCV001029413.14), dbSNP rs147962776, ClinGen allele CA1035340.

ClinVar aggregate classification (germline): Conflicting classifications of pathogenicity. Review status: criteria provided, conflicting classifications (1 of 4 stars). 8 submissions from 8 submitters: Uncertain significance (7); Likely benign (1). Last evaluated 2026-07-01.

Conditions:
Neurodevelopmental disorder, mitochondrial, with abnormal movements and lactic acidosis, with or without seizures. Identifiers: Orphanet 572798, MedGen C4540192, MONDO:0060578, OMIM 617710.
Parkinsonism-dystonia 3, childhood-onset (PKDYS3). Identifiers: MedGen C5676913, MONDO:0030676, OMIM 619738.

Allele frequency attached by ClinVar (database versions not stated): TOPMed 0.00019; ESP Exome Variant Server 0.00023; gnomAD 0.00023.
gnomAD v4.1: 269 of 1,594,826 alleles (0.017%); highest among the groups gnomAD compares: Middle Eastern, 0.5%; no homozygotes.

Submissions (8):

CeGaT Center for Human Genetics Tuebingen
Classification: Uncertain significance. Last evaluated: 2026-07-01. Review status: criteria provided, single submitter. Criteria: CeGaT Center For Human Genetics Tuebingen Variant Classification Criteria Version 2. Collection method: clinical testing. Allele origin: germline. Affected: yes. Observed: 2 variant alleles.
Comment: WARS2: PM2

Labcorp Genetics (formerly Invitae), Labcorp
Classification: Uncertain significance. Last evaluated: 2025-11-20. Review status: criteria provided, single submitter. Criteria: Invitae Variant Classification Sherloc (09022015). Collection method: clinical testing. Allele origin: germline.
Comment: This sequence change replaces arginine, which is basic and polar, with glutamine, which is neutral and polar, at codon 135 of the WARS2 protein (p.Arg135Gln). This variant is present in population databases (rs147962776, gnomAD 0.2%). This variant has not been reported in the literature in individuals affected with WARS2-related conditions. ClinVar contains an entry for this variant (Variation ID: 1029413). Invitae Evidence Modeling of protein sequence and biophysical properties (such as structural, functional, and spatial information, amino acid conservation, physicochemical variation, residue mobility, and thermodynamic stability) indicates that this missense variant is not expected to disrupt WARS2 protein function with a negative predictive value of 80%. In summary, the available evidence is currently insufficient to determine the role of this variant in disease. Therefore, it has been classified as a Variant of Uncertain Significance.

Blueprint Genetics
Classification: Uncertain significance. Last evaluated: 2024-10-14. Review status: criteria provided, single submitter. Criteria: ACMG Guidelines, 2015. Collection method: clinical testing. Allele origin: germline.

3billion
Classification: Likely benign for Neurodevelopmental disorder, mitochondrial, with abnormal movements and lactic acidosis, with or without seizures; Parkinsonism-dystonia 3, childhood-onset. Last evaluated: 2024-09-20. Review status: criteria provided, single submitter. Criteria: ACMG Guidelines, 2015. Collection method: clinical testing. Allele origin: germline. Affected: no.
Comment: The homozygous variant was found in patients diagnosed with another variant in a different gene, with no symptoms related to the gene containing the homozygous variant.

ARUP Laboratories, Molecular Genetics and Genomics, ARUP Laboratories
Classification: Uncertain significance. Last evaluated: 2023-08-24. Review status: criteria provided, single submitter. Criteria: ARUP Molecular Germline Variant Investigation Process 2024. Collection method: clinical testing. Allele origin: germline.

Clinical Genetics Laboratory, Skane University Hospital Lund
Classification: Uncertain significance. Last evaluated: 2022-05-27. Review status: criteria provided, single submitter. Criteria: ACMG Guidelines, 2015. Collection method: clinical testing. Allele origin: germline. Affected: yes.

Baylor Genetics
Classification: Uncertain significance for Neurodevelopmental disorder, mitochondrial, with abnormal movements and lactic acidosis, with or without seizures. Last evaluated: 2019-10-07. Review status: criteria provided, single submitter. Criteria: ACMG Guidelines, 2015. Collection method: clinical testing. Allele origin: unknown. Affected: yes.
Comment: This variant was determined to be of uncertain significance according to ACMG Guidelines, 2015 [PMID:25741868].

Breakthrough Genomics
Classification: Uncertain significance. Review status: criteria provided, single submitter. Criteria: ACMG Guidelines, 2015. Collection method: not provided. Allele origin: germline. Inheritance: Autosomal recessive inheritance. Affected: yes.